The following is an entry in ClinVar:

ClinVar aggregate classification (germline): Uncertain significance (1 of 4 stars; one submission).

Submission:

GeneDx
Classification: Uncertain significance. Last evaluated: 2023-03-06. Review status: criteria provided, single submitter. Criteria: GeneDx Variant Classification Process June 2021. Collection method: clinical testing. Allele origin: germline. Affected: yes.
Comment: Not observed at significant frequency in large population cohorts (gnomAD); In silico analysis supports that this missense variant has a deleterious effect on protein structure/function; Has not been previously published as pathogenic or benign to our knowledge

NM_001291867.2(NHS):c.3062C>T (p.Pro1021Leu)

Gene: NHS (NHS actin remodeling regulator; plus strand). Cytogenetic location: Xp22.13.
Variant type: single nucleotide variant.
Coding change: c.3062C>T on transcript NM_001291867.2 (MANE Select); coding-DNA position 3062, C replaced by T.
Protein change: p.Pro1021Leu; replaces proline 1021 with leucine.
Molecular consequence: missense variant.
Genome position (GRCh38, 1-based): chrX:17,727,168, C>T. VCF-style: chrX-17727168-C-T. GRCh37 (hg19) VCF-style: chrX-17745288-C-T.
Other names: c.2531C>T, p.Pro844Leu (NM_001136024.4); c.2468C>T, p.Pro823Leu (NM_001291868.2); c.2999C>T, p.Pro1000Leu (NM_198270.4); short protein forms P1000L, P1021L, P823L, P844L.
Identifiers: ClinVar variation 2580639 (VCV002580639.1), dbSNP rs2519939122, ClinGen allele CA412361956.